The following is an entry in ClinVar:

NM_000135.4(FANCA):c.2736dup (p.His913fs)

Gene: FANCA (FA complementation group A; minus strand). Cytogenetic location: 16q24.3.
Variant type: Duplication.
Coding change: c.2736dup on transcript NM_000135.4 (MANE Select); coding-DNA position 2736, one base duplicated (A; older notation c.2736dupA).
Protein change: p.His913fs; shifts the reading frame from histidine 913.
Molecular consequence: frameshift variant.
Genome position (GRCh38, 1-based): chr16:89,764,932, T duplicated on the plus strand (A on the coding strand, the reverse complement: FANCA is on the minus strand). VCF-style (leftmost placement, unchanged base first): chr16-89764931-G-GT. GRCh37 (hg19) VCF-style: chr16-89831339-G-GT.
Other names: c.2736dup, p.His913fs (NM_001286167.3); short protein forms H913fs.
Identifiers: ClinVar variation 974338 (VCV000974338.1), dbSNP rs2039074823, ClinGen allele CA1139665047.
Genomic context (GRCh38, chr16:89,764,931, plus strand): 5'-AGAAGGAACGGTCACCTACGTGAACATCTTCCTCTTTCAACACCTCTCGGAAGGTTCTGT[G>GT]TGTCCAGAGAGAGAGGGCAGCTCTCTGCCAGTCTGCAGAAGGAAGGTGCAAGGGTCTCCA-3'

ClinVar aggregate classification (germline): Pathogenic (0 of 4 stars; one submission).

Conditions:
Fanconi anemia complementation group A (FANCA). Also called: Fanconi anemia, group A; FANCA-Related Fanconi Anemia. Identifiers: Orphanet 84, MedGen C3469521, MONDO:0009215, OMIM 227650.

Submission:

Leiden Open Variation Database
Classification: Pathogenic for Fanconi anemia complementation group A. Last evaluated: 2020-02-28. Review status: no assertion criteria provided. Collection method: curation. Allele origin: germline. Affected: yes.
Comment: Curator: Arleen D. Auerbach. Submitter to LOVD: Johan de Winter.

Literature cited by the submitters: PubMed 17924555.